The following is an entry in ClinVar:

ClinVar aggregate classification (germline): Likely benign (1 of 4 stars; one submission).

Allele frequency attached by ClinVar (database versions not stated): TOPMed 0.00022; ExAC 0.00040; gnomAD 0.00067; gnomAD exomes 0.00076.
gnomAD v4.1: 301 of 418,376 alleles (0.072%); highest among the groups gnomAD compares: Non-Finnish European, 0.12%; 4 homozygotes.

Submission:

CeGaT Center for Human Genetics Tuebingen
Classification: Likely benign. Last evaluated: 2023-12-01. Review status: criteria provided, single submitter. Criteria: CeGaT Center For Human Genetics Tuebingen Variant Classification Criteria Version 2. Collection method: clinical testing. Allele origin: germline. Affected: yes. Observed: 1 variant allele.
Comment: MCCC2: BP4

NM_022132.5(MCCC2):c.999+854T>A

Gene: MCCC2 (methylcrotonyl-CoA carboxylase subunit 2; plus strand). Cytogenetic location: 5q13.2.
Variant type: single nucleotide variant.
Coding change: c.999+854T>A on transcript NM_022132.5 (MANE Select); 854 bases into the intron after coding-DNA position 999, T replaced by A.
Molecular consequence: intron variant.
Genome position (GRCh38, 1-based): chr5:71,636,100, T>A. VCF-style: chr5-71636100-T-A. GRCh37 (hg19) VCF-style: chr5-70931927-T-A.
Other names: c.885+854T>A (NM_001363147.1).
Identifiers: ClinVar variation 3024953 (VCV003024953.22), dbSNP rs775012795, ClinGen allele CA3297964.